The following is an entry in ClinVar:

NM_001849.4(COL6A2):c.1770+1G>A

Gene: COL6A2 (collagen type VI alpha 2 chain; plus strand). Cytogenetic location: 21q22.3.
Variant type: single nucleotide variant.
Coding change: c.1770+1G>A on transcript NM_001849.4 (MANE Select); the canonical splice donor site of the intron after coding-DNA position 1770, G replaced by A.
Molecular consequence: splice donor variant.
Genome position (GRCh38, 1-based): chr21:46,124,921, G>A. VCF-style: chr21-46124921-G-A. GRCh37 (hg19) VCF-style: chr21-47544835-G-A.
Other names: c.1770+1G>A (NM_058175.3, NM_058174.3).
Identifiers: ClinVar variation 631882 (VCV000631882.38), dbSNP rs752803039, ClinGen allele CA321971830.
Genomic context (GRCh38, chr21:46,124,921, plus strand): 5'-TCAGCCTCATCCTTCCTTCCCCAGGGTGAGCCCGGCCCCCCTGGAGACCCCGGTCTCACG[G>A]TAGGTGTCACATGGGGCAGAACCAGTGTCCTTCTCCTGCCAAAACTAGACACCAAGAGCA-3'

ClinVar aggregate classification (germline): Conflicting classifications of pathogenicity. Review status: criteria provided, conflicting classifications (1 of 4 stars). 2 submissions from 2 submitters: Likely pathogenic (1); Uncertain significance (1). Last evaluated 2023-11-12.

Conditions:
Bethlem myopathy 1A. Also called: MYOPATHY, BENIGN CONGENITAL, WITH CONTRACTURES; Bethlem myopathy 1; Bethlem Muscular Dystrophy. Identifiers: Orphanet 610, MedGen CN029274, MONDO:0024530, OMIM 158810.

Allele frequency attached by ClinVar (database versions not stated): gnomAD exomes below 0.00001.
gnomAD v4.1: 6 of 1,612,914 alleles (0.00037%); highest among the groups gnomAD compares: Non-Finnish European, 0.00051%; no homozygotes.

Submissions (2):

Labcorp Genetics (formerly Invitae), Labcorp
Classification: Likely pathogenic for Bethlem myopathy 1A. Last evaluated: 2023-11-12. Review status: criteria provided, single submitter. Criteria: Invitae Variant Classification Sherloc (09022015). Collection method: clinical testing. Allele origin: germline.
Comment: This sequence change affects a donor splice site in intron 23 of the COL6A2 gene. It is expected to disrupt RNA splicing. Variants that disrupt the donor or acceptor splice site typically lead to a loss of protein function (PMID: 16199547), and loss-of-function variants in COL6A2 are known to be disease-causing for autosomal recessive COL6A2-related conditions (PMID: 21280092, 20976770). However, certain variants affecting donor or acceptor splice sites in the triple helical domain of COL6A2 are expected to result in in-frame exon skipping and have been reported to cause autosomal dominant COL6A2-related conditions (PMID: 18366090). This variant is not present in population databases (gnomAD no frequency). This variant has not been reported in the literature in individuals affected with COL6A2-related conditions. ClinVar contains an entry for this variant (Variation ID: 631882). Algorithms developed to predict the effect of sequence changes on RNA splicing suggest that this variant may disrupt the consensus splice site. In summary, the currently available evidence indicates that the variant is pathogenic, but additional data are needed to prove that conclusively. Therefore, this variant has been classified as Likely Pathogenic.

CeGaT Center for Human Genetics Tuebingen
Classification: Uncertain significance. Last evaluated: 2022-04-01. Review status: criteria provided, single submitter. Criteria: CeGaT Center For Human Genetics Tuebingen Variant Classification Criteria Version 2. Collection method: clinical testing. Allele origin: germline. Affected: yes. Observed: 1 variant allele.
Comment: COL6A2: PM2, PVS1:Moderate, PP4

Literature cited by the submitters: PubMed 16199547 (cited by Labcorp Genetics (formerly Invitae), Labcorp); PubMed 21280092 (cited by Labcorp Genetics (formerly Invitae), Labcorp); PubMed 20976770 (cited by Labcorp Genetics (formerly Invitae), Labcorp); PubMed 18366090 (cited by Labcorp Genetics (formerly Invitae), Labcorp).